The following is an entry in ClinVar:

ClinVar aggregate classification (germline): Uncertain significance (1 of 4 stars; one submission).

Conditions:
Immunodeficiency 104. Also called: Severe combined immunodeficiency, autosomal recessive, T cell-negative, B cell-positive, NK cell-positive; SCID, AUTOSOMAL RECESSIVE, T CELL-NEGATIVE, B CELL-POSITIVE, NK CELL-POSITIVE; IMMUNODEFICIENCY 104, SEVERE COMBINED; Severe Combined Immune Deficiency, Autosomal Recessive, TCell -Negative, B Cell-Positive, NK Cell-Positive, IL7R-Related. Identifiers: MedGen C5676890, MONDO:0012163, OMIM 608971.

gnomAD v4.1: 2 of 1,613,784 alleles (0.00012%); highest among the groups gnomAD compares: South Asian, 0.0022%; no homozygotes.

Submission:

Labcorp Genetics (formerly Invitae), Labcorp
Classification: Uncertain significance for Immunodeficiency 104. Last evaluated: 2018-07-28. Review status: criteria provided, single submitter. Criteria: Invitae Variant Classification Sherloc (09022015). Collection method: clinical testing. Allele origin: germline.
Comment: In summary, the available evidence is currently insufficient to determine the role of this variant in disease. Therefore, it has been classified as a Variant of Uncertain Significance. Algorithms developed to predict the effect of missense changes on protein structure and function output the following: SIFT: "Tolerated"; PolyPhen-2: "Benign"; Align-GVGD: "Class C0". The isoleucine amino acid residue is found in multiple mammalian species, suggesting that this missense change does not adversely affect protein function. These predictions have not been confirmed by published functional studies and their clinical significance is uncertain. This variant has not been reported in the literature in individuals with PTPRC-related disease. This variant is not present in population databases (ExAC no frequency). This sequence change replaces methionine with isoleucine at codon 40 of the PTPRC protein (p.Met40Ile). The methionine residue is weakly conserved and there is a small physicochemical difference between methionine and isoleucine.

NM_002838.5(PTPRC):c.120G>C (p.Met40Ile)

Gene: PTPRC (protein tyrosine phosphatase receptor type C; plus strand). Cytogenetic location: 1q31.3.
Variant type: single nucleotide variant.
Coding change: c.120G>C on transcript NM_002838.5 (MANE Select); coding-DNA position 120, G replaced by C.
Protein change: p.Met40Ile; replaces methionine 40 with isoleucine.
Molecular consequence: missense variant. On other transcripts: intron variant (1).
Genome position (GRCh38, 1-based): chr1:198,696,731, G>C. VCF-style: chr1-198696731-G-C. GRCh37 (hg19) VCF-style: chr1-198665860-G-C.
Other names: c.100+4358G>C (NM_080921.4); short protein forms M40I.
Identifiers: ClinVar variation 661112 (VCV000661112.9), dbSNP rs1571844516, ClinGen allele CA344096721.